The following is an entry in ClinVar:

ClinVar aggregate classification (germline): Uncertain significance (1 of 4 stars; one submission).

Conditions:
Hereditary sensory and autonomic neuropathy type 6. Also called: HSAN VI; Neuropathy, hereditary sensory and autonomic, type VI. Identifiers: Orphanet 314381, MedGen C3539003, MONDO:0013839, OMIM 614653.
Epidermolysis bullosa simplex 3, localized or generalized intermediate, with BP230 deficiency (EBS3). Also called: Epidermolysis bullosa simplex, autosomal recessive 2; Epidermolysis bullosa simplex due to BP230 deficiency. Identifiers: Orphanet 412181, MedGen C3809470, MONDO:0014180, OMIM 615425.

Allele frequency attached by ClinVar (database versions not stated): gnomAD exomes 0.00001.

Submission:

Labcorp Genetics (formerly Invitae), Labcorp
Classification: Uncertain significance for Epidermolysis bullosa simplex 3, localized or generalized intermediate, with BP230 deficiency; Hereditary sensory and autonomic neuropathy type 6. Last evaluated: 2023-10-18. Review status: criteria provided, single submitter. Criteria: Invitae Variant Classification Sherloc (09022015). Collection method: clinical testing. Allele origin: germline.
Comment: The DST gene has multiple clinically relevant transcripts. This variant occurs in alternate transcript NM_015548.4, and corresponds to NM_001723.5:c.*151952G>C in the primary transcript. This sequence change replaces lysine, which is basic and polar, with asparagine, which is neutral and polar, at codon 5006 of the DST protein (p.Lys5006Asn). This variant also falls at the last nucleotide of exon 81, which is part of the consensus splice site for this exon. This variant is not present in population databases (gnomAD no frequency). This variant has not been reported in the literature in individuals affected with DST-related conditions. Experimental studies and prediction algorithms are not available or were not evaluated, and the functional significance of this variant is currently unknown. Variants that disrupt the consensus splice site are a relatively common cause of aberrant splicing (PMID: 17576681, 9536098). In summary, the available evidence is currently insufficient to determine the role of this variant in disease. Therefore, it has been classified as a Variant of Uncertain Significance.

Literature cited by the submitters: PubMed 17576681; PubMed 9536098.

NM_001374736.1(DST):c.22959G>C (p.Lys7653Asn)

Gene: DST (dystonin; minus strand). Cytogenetic location: 6p12.1.
Variant type: single nucleotide variant.
Coding change: c.22959G>C on transcript NM_001374736.1 (MANE Select); coding-DNA position 22959, G replaced by C.
Protein change: p.Lys7653Asn; replaces lysine 7653 with asparagine.
Molecular consequence: missense variant.
Genome position (GRCh38, 1-based): chr6:56,463,565, C>G on the plus strand (G>C on the coding strand, the complement: DST is on the minus strand). VCF-style: chr6-56463565-C-G. GRCh37 (hg19) VCF-style: chr6-56328363-C-G.
Other names: c.16530G>C, p.Lys5510Asn (NM_001144769.5); c.16116G>C, p.Lys5372Asn (NM_001144770.2); c.22887G>C, p.Lys7629Asn (NM_001374722.1); c.21999G>C, p.Lys7333Asn (NM_001374729.1); c.15741G>C, p.Lys5247Asn (NM_001374730.1); c.22914G>C, p.Lys7638Asn (NM_001374734.1); c.15978G>C, p.Lys5326Asn (NM_001386100.1); c.15018G>C, p.Lys5006Asn (NM_015548.5); and 1 more; short protein forms K5006N, K5326N, K7629N, K7653N, K7333N, K7638N, K5510N, K5247N.
Identifiers: ClinVar variation 2932774 (VCV002932774.3), dbSNP rs2533285844, ClinGen allele CA364504714.